The following is an entry in ClinVar:

ClinVar aggregate classification (germline): Pathogenic/Likely pathogenic. Review status: criteria provided, multiple submitters, no conflicts (2 of 4 stars). 3 submissions from 3 submitters: Pathogenic (2); Likely pathogenic (1). Last evaluated 2024-05-14.

Conditions:
Primary ciliary dyskinesia. Also called: Ciliary dyskinesia. Identifiers: Orphanet 244, MedGen C0008780, MONDO:0016575, HP:0012265.
Primary ciliary dyskinesia 3. Identifiers: Orphanet 244, MedGen C1837618, MONDO:0012085, OMIM 608644.

Allele frequency attached by ClinVar (database versions not stated): gnomAD 0.00001; TOPMed 0.00001.
gnomAD v4.1: 1 of 1,613,984 alleles (0.000062%); highest among the groups gnomAD compares: Non-Finnish European, 0.000085%; no homozygotes.

Submissions (3):

Myriad Genetics, Inc.
Classification: Pathogenic for Primary ciliary dyskinesia 3. Last evaluated: 2024-05-14. Review status: criteria provided, single submitter. Criteria: Myriad Autosomal Dominant, Autosomal Recessive and X-Linked Classification Criteria (2023). Collection method: clinical testing. Allele origin: unknown.
Comment: NM_001369.2(DNAH5):c.12265C>T(Q4089*) is expected to be pathogenic in the context of primary ciliary dyskinesia, DNAH5-related. This variant is predicted to lead to an abnormal or absent protein product due to the creation of a premature termination codon in DNAH5, a gene where loss-of-function variants are known to be pathogenic. Please note: this variant was assessed in the context of healthy population screening.

Labcorp Genetics (formerly Invitae), Labcorp
Classification: Pathogenic for Primary ciliary dyskinesia. Last evaluated: 2023-12-12. Review status: criteria provided, single submitter. Criteria: Invitae Variant Classification Sherloc (09022015). Collection method: clinical testing. Allele origin: germline.
Comment: This sequence change creates a premature translational stop signal (p.Gln4089*) in the DNAH5 gene. It is expected to result in an absent or disrupted protein product. Loss-of-function variants in DNAH5 are known to be pathogenic (PMID: 11788826, 16627867). This variant is not present in population databases (gnomAD no frequency). This premature translational stop signal has been observed in individual(s) with primary ciliary dyskinesia (PMID: 25186273). ClinVar contains an entry for this variant (Variation ID: 407227). Algorithms developed to predict the effect of sequence changes on RNA splicing suggest that this variant may disrupt the consensus splice site. For these reasons, this variant has been classified as Pathogenic.

GeneDx
Classification: Likely pathogenic. Last evaluated: 2018-10-11. Review status: criteria provided, single submitter. Criteria: GeneDx Variant Classification (06012015). Collection method: clinical testing. Allele origin: germline. Affected: yes.
Comment: The Q4089X variant in the DNAH5 gene has been reported in the heterozygous state with a second loss-of-function variant in an individual with primary ciliary dyskinesia, however, the phase of these variants was not confirmed, and additional clinical information was not provided (Raidt et al., 2014). This variant is predicted to cause loss of normal protein function either through protein truncation or nonsense-mediated mRNA decay. The Q4089X variant is not observed in large population cohorts (Lek et al., 2016). We interpret Q4089X as a likely pathogenic variant.

Literature cited by the submitters: PubMed 11788826 (cited by Labcorp Genetics (formerly Invitae), Labcorp); PubMed 16627867 (cited by Labcorp Genetics (formerly Invitae), Labcorp); PubMed 25186273 (cited by Labcorp Genetics (formerly Invitae), Labcorp).

NM_001369.3(DNAH5):c.12265C>T (p.Gln4089Ter)

Gene: DNAH5 (dynein axonemal heavy chain 5; minus strand). Cytogenetic location: 5p15.2.
Variant type: single nucleotide variant.
Coding change: c.12265C>T on transcript NM_001369.3 (MANE Select); coding-DNA position 12265, C replaced by T.
Protein change: p.Gln4089Ter; replaces glutamine 4089 with a stop codon.
Molecular consequence: nonsense.
Genome position (GRCh38, 1-based): chr5:13,721,014, G>A on the plus strand (C>T on the coding strand, the complement: DNAH5 is on the minus strand). VCF-style: chr5-13721014-G-A. GRCh37 (hg19) VCF-style: chr5-13721123-G-A.
Other names: short protein forms Q4089*.
Identifiers: ClinVar variation 407227 (VCV000407227.19), dbSNP rs1060501456, ClinGen allele CA16611765.